The following is an entry in ClinVar:

NM_000159.4(GCDH):c.1244-11A>C

Genes: GCDH (glutaryl-CoA dehydrogenase; plus strand), SYCE2 (synaptonemal complex central element protein 2; minus strand), LOC126862860 (BRD4-independent group 4 enhancer GRCh37_chr19:13010146-13011345; plus strand). Cytogenetic location: 19p13.13.
Variant type: single nucleotide variant.
Coding change: c.1244-11A>C on transcript NM_000159.4 (MANE Select); 11 bases into the intron before coding-DNA position 1244, A replaced by C.
Molecular consequence: intron variant.
Genome position (GRCh38, 1-based): chr19:12,899,457, A>C. VCF-style: chr19-12899457-A-C. GRCh37 (hg19) VCF-style: chr19-13010271-A-C.
Other names: c.1244-11A>C (NM_000159.3); c.1244-243A>C (NM_013976.5); c.613-72T>G (NM_001105578.2).
Identifiers: ClinVar variation 3002933 (VCV003002933.4), dbSNP rs2512581898, ClinGen allele CA2576639297.
Genomic context (GRCh38, chr19:12,899,457, plus strand): 5'-TGAAAATTGATTTTAAAGGGAAGTTGTGAGCTATGAAAACTCCAAACCGACTCTGTATTA[A>C]TCTTGTCCAGGTACACATGACATTCACGCCCTGATCCTTGGGAGAGCTATCACGGGAATC-3'

ClinVar aggregate classification (germline): Conflicting classifications of pathogenicity. Review status: criteria provided, conflicting classifications (1 of 4 stars). 2 submissions from 2 submitters: Likely pathogenic (1); Likely benign (1). Last evaluated 2024-05-28.

Conditions:
Glutaric aciduria, type 1. Also called: Glutaricacidemia Type 1; Glutaric Acidemia Type 1; GA I; Glutaricaciduria, type I; Glutaric acidemia type I; Glutaryl-CoA dehydrogenase deficiency. Identifiers: Orphanet 25, MedGen C0268595, MONDO:0009281, OMIM 231670.

Allele frequency attached by ClinVar (database versions not stated): gnomAD exomes below 0.00001.
gnomAD v4.1: 1 of 1,614,164 alleles (0.000062%); highest among the groups gnomAD compares: Non-Finnish European, 0.000085%; no homozygotes.

Submissions (2):

Natera, Inc.
Classification: Likely pathogenic for Glutaric acidemia type 1. Last evaluated: 2024-05-28. Review status: criteria provided, single submitter. Criteria: Natera Variant Classification Schema (03/2026). Collection method: clinical testing. Allele origin: germline.
Comment: The c.1244-11A>C variant in GCDH is an intronic variant located outside the canonical splice sites. This variant is rare in the general population with a frequency below the threshold expected for the associated phenotype(s). This variant has been observed in one or more individuals affected with the associated recessive disease, as either homozygous or compound heterozygous with a second variant (PMID: 26656312). Functional studies show that this variant may disrupt protein function (PMID: 26656312). Multiple computational prediction algorithms suggest this variant is unlikely to affect gene or protein function. Given the available evidence, this variant is classified as Likely Pathogenic.

Labcorp Genetics (formerly Invitae), Labcorp
Classification: Likely benign for Glutaric aciduria, type 1. Last evaluated: 2022-11-01. Review status: criteria provided, single submitter. Criteria: Invitae Variant Classification Sherloc (09022015). Collection method: clinical testing. Allele origin: germline.

Literature cited by the submitters: PubMed 26656312 (cited by Natera, Inc.).